The following is an entry in ClinVar:

ClinVar aggregate classification (germline): Uncertain significance (1 of 4 stars; one submission).

Submission:

Labcorp Genetics (formerly Invitae), Labcorp
Classification: Uncertain significance. Last evaluated: 2025-12-11. Review status: criteria provided, single submitter. Criteria: Invitae Variant Classification Sherloc (09022015). Collection method: clinical testing. Allele origin: germline.
Comment: This sequence change replaces glycine, which is neutral and non-polar, with alanine, which is neutral and non-polar, at codon 373 of the SULF1 protein (p.Gly373Ala). This variant is not present in population databases (gnomAD no frequency). This variant has not been reported in the literature in individuals affected with SULF1-related conditions. An algorithm developed to predict the effect of missense changes on protein structure and function (PolyPhen-2) suggests that this variant is likely to be disruptive. In summary, the available evidence is currently insufficient to determine the role of this variant in disease. Therefore, it has been classified as a Variant of Uncertain Significance.

NM_001128205.2(SULF1):c.1118G>C (p.Gly373Ala)

Gene: SULF1 (sulfatase 1; plus strand). Cytogenetic location: 8q13.3.
Variant type: single nucleotide variant.
Coding change: c.1118G>C on transcript NM_001128205.2 (MANE Select); coding-DNA position 1118, G replaced by C.
Protein change: p.Gly373Ala; replaces glycine 373 with alanine.
Molecular consequence: missense variant. On other transcripts: 5 prime UTR variant (1), non-coding transcript variant (7), intron variant (4).
Genome position (GRCh38, 1-based): chr8:69,603,248, G>C. VCF-style: chr8-69603248-G-C. GRCh37 (hg19) VCF-style: chr8-70515483-G-C.
Other names: c.1118G>C, p.Gly373Ala (NM_001128204.2, NM_001128206.2, NM_001412828.1 and 14 more transcripts); c.932G>C, p.Gly311Ala (NM_001412841.1, NM_001412842.1); c.518G>C, p.Gly173Ala (NM_001412844.1, NM_001412845.1); c.-658G>C (NM_001412846.1); c.1062-352G>C (NM_001412839.1, NM_001412838.1, NM_001412832.1 and 1 more transcripts); short protein forms G311A, G173A, G373A.
Identifiers: ClinVar variation 4733029 (VCV004733029.1).